The following is an entry in ClinVar:

NM_017841.4(SDHAF2):c.443del (p.Asn148fs)

Gene: SDHAF2 (succinate dehydrogenase complex assembly factor 2; plus strand). Cytogenetic location: 11q12.2.
Variant type: Deletion.
Coding change: c.443del on transcript NM_017841.4 (MANE Select); coding-DNA position 443, one base deleted (A; older notation c.443delA).
Protein change: p.Asn148fs; shifts the reading frame from asparagine 148.
Molecular consequence: frameshift variant.
Genome position (GRCh38, 1-based): chr11:61,446,013, A deleted; the last of 5 consecutive A bases (chr11:61,446,009-61,446,013); deleting any one gives the same sequence. VCF-style (leftmost placement, unchanged base first): chr11-61446008-CA-C. GRCh37 (hg19) VCF-style: chr11-61213480-CA-C.
Other names: c.443del (NM_017841.2); short protein forms N148fs.
Identifiers: ClinVar variation 824894 (VCV000824894.16), dbSNP rs1002286076, ClinGen allele CA222882498.

ClinVar aggregate classification (germline): Conflicting classifications of pathogenicity. Review status: criteria provided, conflicting classifications (1 of 4 stars). 3 submissions from 3 submitters: Likely pathogenic (1); Uncertain significance (2). Last evaluated 2026-03-25.

Conditions:
Hereditary cancer-predisposing syndrome. Also called: Hereditary neoplastic syndrome; Tumor predisposition; Hereditary Cancer Syndrome; Neoplastic Syndromes, Hereditary. Identifiers: Orphanet 140162, MedGen C0027672, MeSH D009386, MONDO:0015356.
Hereditary pheochromocytoma and paraganglioma. Also called: Hereditary Paraganglioma-Pheochromocytoma Syndromes; Hereditary paragangliomas and pheochromocytomas; Hereditary pheochromocytoma-paraganglioma. Identifiers: Orphanet 29072, MedGen C4274332, MONDO:0017366.
Pheochromocytoma/paraganglioma syndrome 2. Also called: SDHAF2-Related Hereditary Paraganglioma-Pheochromocytoma Syndrome; GLOMUS TUMORS, FAMILIAL, 2; Paragangliomas 2; SDHAF2-Related Hereditary Paraganglioma-Pheochromocytoma Syndrome (Paragangliomas 2). Identifiers: Orphanet 29072, MedGen C1866552, MONDO:0011121, OMIM 601650.

Submissions (3):

Myriad Genetics, Inc.
Classification: Likely pathogenic for Pheochromocytoma/paraganglioma syndrome 2. Last evaluated: 2026-03-25. Review status: criteria provided, single submitter. Criteria: Myriad Autosomal Dominant, Autosomal Recessive and X-Linked Classification Criteria (2023). Collection method: clinical testing. Allele origin: unknown.
Comment: This variant is considered likely pathogenic. This variant creates a frameshift predicted to result in premature protein truncation.

Labcorp Genetics (formerly Invitae), Labcorp
Classification: Uncertain significance for Hereditary pheochromocytoma and paraganglioma. Last evaluated: 2025-07-31. Review status: criteria provided, single submitter. Criteria: Invitae Variant Classification Sherloc (09022015). Collection method: clinical testing. Allele origin: germline.
Comment: This sequence change creates a premature translational stop signal (p.Asn148Thrfs*35) in the SDHAF2 gene. While this is not anticipated to result in nonsense mediated decay, it is expected to disrupt the last 19 amino acid(s) of the SDHAF2 protein. This variant is present in population databases (no rsID available, gnomAD 0.0009%). This variant has not been reported in the literature in individuals affected with SDHAF2-related conditions. ClinVar contains an entry for this variant (Variation ID: 824894). Experimental studies and prediction algorithms are not available or were not evaluated, and the functional significance of this variant is currently unknown. In summary, the available evidence is currently insufficient to determine the role of this variant in disease. Therefore, it has been classified as a Variant of Uncertain Significance.

Ambry Genetics
Classification: Uncertain significance for Hereditary cancer-predisposing syndrome. Last evaluated: 2025-04-29. Review status: criteria provided, single submitter. Criteria: Ambry Variant Classification Scheme 2023. Collection method: clinical testing. Allele origin: germline.
Comment: The c.443delA variant, located in coding exon 4 of the SDHAF2 gene, results from a deletion of one nucleotide at nucleotide position 443, causing a translational frameshift with a predicted alternate stop codon (p.N148Tfs*35). Frameshifts are typically deleterious in nature, however, this frameshift occurs at the 3' terminus of SDHAF2, is not expected to trigger nonsense-mediated mRNA decay, only alters the last 19 amino acids and extends the protein by 15 residues. The exact functional impact of these altered amino acids is unknown at this time. Since supporting evidence is limited at this time, the clinical significance of this alteration remains unclear.